The following is an entry in ClinVar:

ClinVar aggregate classification (germline): Uncertain significance (1 of 4 stars; one submission).

Submission:

Labcorp Genetics (formerly Invitae), Labcorp
Classification: Uncertain significance. Last evaluated: 2024-06-02. Review status: criteria provided, single submitter. Criteria: Invitae Variant Classification Sherloc (09022015). Collection method: clinical testing. Allele origin: germline.
Comment: This sequence change replaces valine, which is neutral and non-polar, with glycine, which is neutral and non-polar, at codon 438 of the NTRK2 protein (p.Val438Gly). This variant is not present in population databases (gnomAD no frequency). This variant has not been reported in the literature in individuals affected with NTRK2-related conditions. Advanced modeling of protein sequence and biophysical properties (such as structural, functional, and spatial information, amino acid conservation, physicochemical variation, residue mobility, and thermodynamic stability) performed at Invitae indicates that this missense variant is not expected to disrupt NTRK2 protein function with a negative predictive value of 80%. In summary, the available evidence is currently insufficient to determine the role of this variant in disease. Therefore, it has been classified as a Variant of Uncertain Significance.

NM_006180.6(NTRK2):c.1313T>G (p.Val438Gly)

Gene: NTRK2 (neurotrophic receptor tyrosine kinase 2; plus strand). Cytogenetic location: 9q21.33.
Variant type: single nucleotide variant.
Coding change: c.1313T>G on transcript NM_006180.6 (MANE Select); coding-DNA position 1313, T replaced by G.
Protein change: p.Val438Gly; replaces valine 438 with glycine.
Molecular consequence: missense variant.
Genome position (GRCh38, 1-based): chr9:84,752,002, T>G. VCF-style: chr9-84752002-T-G. GRCh37 (hg19) VCF-style: chr9-87366917-T-G.
Other names: c.1313T>G, p.Val438Gly (NM_001007097.3, NM_001369538.1, NM_001369539.1 and 15 more transcripts); c.1274T>G, p.Val425Gly (NM_001369546.1, NM_001291937.2); c.845T>G, p.Val282Gly (NM_001369550.1, NM_001369551.1, NM_001369552.1 and 2 more transcripts); c.1277T>G, p.Val426Gly (NM_001369534.1); short protein forms V282G, V425G, V438G, V426G.
Identifiers: ClinVar variation 3683682 (VCV003683682.2).